The following is an entry in ClinVar:

NM_000037.4(ANK1):c.3269del (p.Leu1090fs)

Gene: ANK1 (ankyrin 1; minus strand). Cytogenetic location: 8p11.21.
Variant type: Deletion.
Coding change: c.3269del on transcript NM_000037.4 (MANE Select); coding-DNA position 3269, one base deleted (T; older notation c.3269delT).
Protein change: p.Leu1090fs; shifts the reading frame from leucine 1090.
Molecular consequence: frameshift variant.
Genome position (GRCh38, 1-based): chr8:41,694,650, A deleted on the plus strand (T on the coding strand, the reverse complement: ANK1 is on the minus strand). VCF-style (leftmost placement, unchanged base first): chr8-41694649-CA-C. GRCh37 (hg19) VCF-style: chr8-41552167-CA-C.
Other names: c.3269delT (NM_000037.4); c.3392del, p.Leu1131fs (NM_001142446.2); c.3269del, p.Leu1090fs (NM_020475.3, NM_020476.3, NM_020477.3); short protein forms L1090fs, L1131fs.
Identifiers: ClinVar variation 1299413 (VCV001299413.2), dbSNP rs2150593284, ClinGen allele CA2499219300.

ClinVar aggregate classification (germline): Pathogenic/Likely pathogenic. Review status: criteria provided, multiple submitters, no conflicts (2 of 4 stars). 2 submissions from 2 submitters: Pathogenic (1); Likely pathogenic (1). Last evaluated 2025-03-05.

Conditions:
Hereditary spherocytosis type 1. Also called: Spherocytosis type 1; ANK1-Related Spherocytosis. Identifiers: Orphanet 822, MedGen C2674218, MONDO:0008447, OMIM 182900.

Submissions (2):

Labcorp Genetics (formerly Invitae), Labcorp
Classification: Pathogenic. Last evaluated: 2025-03-05. Review status: criteria provided, single submitter. Criteria: Invitae Variant Classification Sherloc (09022015). Collection method: clinical testing. Allele origin: germline.
Comment: This sequence change creates a premature translational stop signal (p.Leu1090Argfs*15) in the ANK1 gene. It is expected to result in an absent or disrupted protein product. Loss-of-function variants in ANK1 are known to be pathogenic (PMID: 8640229). This variant is not present in population databases (gnomAD no frequency). This premature translational stop signal has been observed in individual(s) with hereditary spherocytosis (PMID: 35817016, 36598564). This variant is also known as c.3392delT;p.Leu1131Argfs*15. ClinVar contains an entry for this variant (Variation ID: 1299413). For these reasons, this variant has been classified as Pathogenic.

Department of Haematogenetics, ICMR National Institute of Immunohaematology
Classification: Likely pathogenic for Hereditary spherocytosis type 1. Review status: criteria provided, single submitter. Criteria: ACMG Guidelines, 2015. Collection method: research. Allele origin: inherited. Affected: yes.

Literature cited by the submitters: PubMed 8640229 (cited by Labcorp Genetics (formerly Invitae), Labcorp); PubMed 35817016 (cited by Labcorp Genetics (formerly Invitae), Labcorp); PubMed 36598564 (cited by Labcorp Genetics (formerly Invitae), Labcorp).